The following is an entry in ClinVar:

NM_021930.6(RINT1):c.1588G>A (p.Ala530Thr)

Gene: RINT1 (RAD50 interactor 1; plus strand). Cytogenetic location: 7q22.3.
Variant type: single nucleotide variant.
Coding change: c.1588G>A on transcript NM_021930.6 (MANE Select); coding-DNA position 1588, G replaced by A.
Protein change: p.Ala530Thr; replaces alanine 530 with threonine.
Molecular consequence: missense variant.
Genome position (GRCh38, 1-based): chr7:105,555,144, G>A. VCF-style: chr7-105555144-G-A. GRCh37 (hg19) VCF-style: chr7-105195591-G-A.
Other names: c.1354G>A, p.Ala452Thr (NM_001346599.2); c.565G>A, p.Ala189Thr (NM_001346600.2, NM_001346603.2); c.664G>A, p.Ala222Thr (NM_001346601.2); short protein forms A189T, A530T, A452T, A222T.
Identifiers: ClinVar variation 3020022 (VCV003020022.3), dbSNP rs2133426817, ClinGen allele CA368811755.

ClinVar aggregate classification (germline): Uncertain significance (1 of 4 stars; one submission).

Allele frequency attached by ClinVar (database versions not stated): gnomAD exomes below 0.00001.

Submission:

Labcorp Genetics (formerly Invitae), Labcorp
Classification: Uncertain significance. Last evaluated: 2023-10-09. Review status: criteria provided, single submitter. Criteria: Invitae Variant Classification Sherloc (09022015). Collection method: clinical testing. Allele origin: germline.
Comment: This sequence change replaces alanine, which is neutral and non-polar, with threonine, which is neutral and polar, at codon 530 of the RINT1 protein (p.Ala530Thr). This variant is not present in population databases (gnomAD no frequency). This variant has not been reported in the literature in individuals affected with RINT1-related conditions. An algorithm developed to predict the effect of missense changes on protein structure and function (PolyPhen-2) suggests that this variant is likely to be tolerated. In summary, the available evidence is currently insufficient to determine the role of this variant in disease. Therefore, it has been classified as a Variant of Uncertain Significance.